The following is an entry in ClinVar:

ClinVar aggregate classification (germline): Uncertain significance (1 of 4 stars; one submission).

Conditions:
Neuronal ceroid lipofuscinosis. Also called: Neuronal Ceroid Lipofuscinoses. Identifiers: Orphanet 216, Orphanet 79263, MedGen C0027877, MONDO:0016295. Disease mechanism: loss of function.

gnomAD v4.1: 3 of 1,613,810 alleles (0.00019%); highest among the groups gnomAD compares: South Asian, 0.0022%; no homozygotes.

Submission:

Labcorp Genetics (formerly Invitae), Labcorp
Classification: Uncertain significance for Neuronal ceroid lipofuscinosis. Last evaluated: 2024-10-13. Review status: criteria provided, single submitter. Criteria: Invitae Variant Classification Sherloc (09022015). Collection method: clinical testing. Allele origin: germline.
Comment: This sequence change falls in intron 6 of the CTSD gene. It does not directly change the encoded amino acid sequence of the CTSD protein. It affects a nucleotide within the consensus splice site. This variant is not present in population databases (gnomAD no frequency). This variant has not been reported in the literature in individuals affected with CTSD-related conditions. Variants that disrupt the consensus splice site are a relatively common cause of aberrant splicing (PMID: 17576681, 9536098). Algorithms developed to predict the effect of sequence changes on RNA splicing suggest that this variant is not likely to affect RNA splicing. In summary, the available evidence is currently insufficient to determine the role of this variant in disease. Therefore, it has been classified as a Variant of Uncertain Significance.

Literature cited by the submitters: PubMed 17576681; PubMed 9536098.

NM_001909.5(CTSD):c.827+3G>A

Gene: CTSD (cathepsin D; minus strand). Cytogenetic location: 11p15.5.
Variant type: single nucleotide variant.
Coding change: c.827+3G>A on transcript NM_001909.5 (MANE Select); 3 bases into the intron after coding-DNA position 827, G replaced by A.
Molecular consequence: intron variant.
Genome position (GRCh38, 1-based): chr11:1,754,903, C>T on the plus strand (G>A on the coding strand, the complement: CTSD is on the minus strand). VCF-style: chr11-1754903-C-T. GRCh37 (hg19) VCF-style: chr11-1776133-C-T.
Identifiers: ClinVar variation 3680578 (VCV003680578.2).